The following is an entry in ClinVar:

NM_014795.4(ZEB2):c.11C>G (p.Pro4Arg)

Gene: ZEB2 (zinc finger E-box binding homeobox 2; minus strand). Cytogenetic location: 2q22.3.
Variant type: single nucleotide variant.
Coding change: c.11C>G on transcript NM_014795.4 (MANE Select); coding-DNA position 11, C replaced by G.
Protein change: p.Pro4Arg; replaces proline 4 with arginine.
Molecular consequence: missense variant. On other transcripts: non-coding transcript variant (1).
Genome position (GRCh38, 1-based): chr2:144,517,340, G>C on the plus strand (C>G on the coding strand, the complement: ZEB2 is on the minus strand). VCF-style: chr2-144517340-G-C. GRCh37 (hg19) VCF-style: chr2-145274907-G-C.
Other names: c.11C>G (NM_014795.3); c.11C>G, p.Pro4Arg (NM_001171653.2); short protein forms P4R.
Identifiers: ClinVar variation 2839019 (VCV002839019.4), dbSNP rs577362409, ClinGen allele CA1898724.

ClinVar aggregate classification (germline): Conflicting classifications of pathogenicity. Review status: criteria provided, conflicting classifications (1 of 4 stars). 2 submissions from 2 submitters: Uncertain significance (1); Likely benign (1). Last evaluated 2025-07-08.

Conditions:
Mowat-Wilson syndrome (MOWS). Also called: Classic Mowat-Wilson Syndrome. Identifiers: Orphanet 2152, MedGen C1856113, MONDO:0009341, OMIM 235730.
Inborn genetic diseases. Identifiers: MedGen C0950123, MeSH D030342.

gnomAD v4.1: 2 of 1,613,560 alleles (0.00012%); highest among the groups gnomAD compares: Admixed American, 0.0017%; no homozygotes.

Submissions (2):

Ambry Genetics
Classification: Likely benign for Inborn genetic diseases. Last evaluated: 2025-07-08. Review status: criteria provided, single submitter. Criteria: Ambry Variant Classification Scheme 2023. Collection method: clinical testing. Allele origin: germline.

Labcorp Genetics (formerly Invitae), Labcorp
Classification: Uncertain significance for Mowat-Wilson syndrome. Last evaluated: 2023-06-16. Review status: criteria provided, single submitter. Criteria: Invitae Variant Classification Sherloc (09022015). Collection method: clinical testing. Allele origin: germline.
Comment: In summary, the available evidence is currently insufficient to determine the role of this variant in disease. Therefore, it has been classified as a Variant of Uncertain Significance. An algorithm developed to predict the effect of missense changes on protein structure and function (PolyPhen-2) suggests that this variant is likely to be tolerated. This variant has not been reported in the literature in individuals affected with ZEB2-related conditions. This variant is present in population databases (rs577362409, gnomAD 0.003%). This sequence change replaces proline, which is neutral and non-polar, with arginine, which is basic and polar, at codon 4 of the ZEB2 protein (p.Pro4Arg).